The following is an entry in ClinVar:

ClinVar aggregate classification (germline): Pathogenic/Likely pathogenic. Review status: criteria provided, multiple submitters, no conflicts (2 of 4 stars). 4 submissions from 4 submitters: Pathogenic (3); Likely pathogenic (1). Last evaluated 2026-08-12.

Conditions:
KIF7-related disorder. Also called: KIF7-related condition.
Acrocallosal syndrome (ACLS). Also called: Schinzel syndrome 1; Absence of corpus callosum with unusual facial appearance, mental deficiency, duplication of the halluces and polydactyly; HALLUX DUPLICATION, POSTAXIAL POLYDACTYLY, AND ABSENCE OF CORPUS CALLOSUM. Identifiers: Orphanet 36, MedGen C0796147, MONDO:0008708, OMIM 200990.

Allele frequency attached by ClinVar (database versions not stated): gnomAD 0.00002; TOPMed 0.00002.

Submissions (4):

GeneDx
Classification: Pathogenic. Last evaluated: 2026-08-12. Review status: criteria provided, single submitter. Criteria: GeneDx Variant Classification Process June 2021. Collection method: clinical testing. Allele origin: germline.
Comment: Frameshift variant predicted to result in protein truncation or nonsense mediated decay in a gene for which loss of function is a known mechanism of disease; Not observed at significant frequency in large population cohorts (gnomAD); Has not been previously published as pathogenic or benign to our knowledge

Women's Health and Genetics/Laboratory Corporation of America, LabCorp
Classification: Pathogenic for Acrocallosal syndrome. Last evaluated: 2025-10-15. Review status: criteria provided, single submitter. Criteria: LabCorp Variant Classification Summary - May 2015. Collection method: clinical testing. Allele origin: germline.
Comment: Variant summary: KIF7 c.1106delC (p.Ala369GlyfsX86) results in a premature termination codon, predicted to cause a truncation of the encoded protein or absence of the protein due to nonsense mediated decay, which are commonly known mechanisms for disease. The variant allele was found at a frequency of 3.5e-05 in 28968 control chromosomes. To our knowledge, no occurrence of c.1106delC in individuals affected with KIF7-related conditions and no experimental evidence demonstrating its impact on protein function have been reported. ClinVar contains an entry for this variant (Variation ID: 280302). Based on the evidence outlined above, the variant was classified as pathogenic.

Labcorp Genetics (formerly Invitae), Labcorp
Classification: Pathogenic for Acrocallosal syndrome. Last evaluated: 2025-05-26. Review status: criteria provided, single submitter. Criteria: Invitae Variant Classification Sherloc (09022015). Collection method: clinical testing. Allele origin: germline.
Comment: This sequence change creates a premature translational stop signal (p.Ala369Glyfs*86) in the KIF7 gene. It is expected to result in an absent or disrupted protein product. Loss-of-function variants in KIF7 are known to be pathogenic (PMID: 19666503, 21552264, 21633164, 26648833). This variant is present in population databases (no rsID available, gnomAD 0.01%). This variant has not been reported in the literature in individuals affected with KIF7-related conditions. ClinVar contains an entry for this variant (Variation ID: 280302). For these reasons, this variant has been classified as Pathogenic.

Blueprint Genetics
Classification: Likely pathogenic for KIF7-related disorders. Last evaluated: 2022-09-07. Review status: criteria provided, single submitter. Criteria: ACMG Guidelines, 2015. Collection method: clinical testing. Allele origin: germline. Affected: yes. Observed: 1 variant allele.

Literature cited by the submitters: PubMed 19666503 (cited by Labcorp Genetics (formerly Invitae), Labcorp); PubMed 21552264 (cited by Labcorp Genetics (formerly Invitae), Labcorp); PubMed 21633164 (cited by Labcorp Genetics (formerly Invitae), Labcorp); PubMed 26648833 (cited by Labcorp Genetics (formerly Invitae), Labcorp).

NM_198525.3(KIF7):c.1106del (p.Ala369fs)

Gene: KIF7 (kinesin family member 7; minus strand). Cytogenetic location: 15q26.1.
Variant type: Deletion.
Coding change: c.1106del on transcript NM_198525.3 (MANE Select); coding-DNA position 1106, one base deleted (C; older notation c.1106delC).
Protein change: p.Ala369fs; shifts the reading frame from alanine 369.
Molecular consequence: frameshift variant.
Genome position (GRCh38, 1-based): chr15:89,648,592, G deleted on the plus strand (C on the coding strand, the reverse complement: KIF7 is on the minus strand). VCF-style (leftmost placement, unchanged base first): chr15-89648591-CG-C. GRCh37 (hg19) VCF-style: chr15-90191822-CG-C.
Other names: c.1106delC (NM_198525.3, NM_198525.2); short protein forms A369fs.
Identifiers: ClinVar variation 280302 (VCV000280302.10), dbSNP rs886041531, ClinGen allele CA10603354.